The following is an entry in ClinVar:

NM_017780.4(CHD7):c.4860G>C (p.Arg1620=)

Gene: CHD7 (chromodomain helicase DNA binding protein 7; plus strand). Cytogenetic location: 8q12.2.
Variant type: single nucleotide variant.
Coding change: c.4860G>C on transcript NM_017780.4 (MANE Select); coding-DNA position 4860, G replaced by C.
Protein change: p.Arg1620=; no amino-acid change (arginine 1620 retained).
Molecular consequence: synonymous variant. On other transcripts: intron variant (1).
Genome position (GRCh38, 1-based): chr8:60,844,873, G>C. VCF-style: chr8-60844873-G-C. GRCh37 (hg19) VCF-style: chr8-61757432-G-C.
Other names: c.1717-17356G>C (NM_001316690.1); c.4860G>C (NM_017780.3).
Identifiers: ClinVar variation 1115775 (VCV001115775.11), dbSNP rs1441410913, ClinGen allele CA460848286.

ClinVar aggregate classification (germline): Likely benign. Review status: criteria provided, single submitter (1 of 4 stars). 2 submissions from 2 submitters: Likely benign (1). 1 of the submissions does not count toward it. Last evaluated 2025-07-09.

Conditions:
CHARGE syndrome (CHARGE). Also called: Hittner Hirsch Kreh syndrome; CHARGE ASSOCIATION--COLOBOMA, HEART ANOMALY, CHOANAL ATRESIA, RETARDATION, GENITAL AND EAR ANOMALIES; Coloboma, heart anomaly, choanal atresia, retardation, genital and ear anomalies; CHARGE association; Hall-Hittner syndrome. Identifiers: Orphanet 138, MedGen C0265354, MONDO:0008965.
CHD7-related disorder. Also called: CHD7-related condition.

Allele frequency attached by ClinVar (database versions not stated): gnomAD 0.00001; TOPMed 0.00001.
gnomAD v4.1: 21 of 1,597,954 alleles (0.0013%); highest among the groups gnomAD compares: Non-Finnish European, 0.0017%; no homozygotes.

Submissions (2):

Labcorp Genetics (formerly Invitae), Labcorp
Classification: Likely benign for CHARGE syndrome. Last evaluated: 2025-07-09. Review status: criteria provided, single submitter. Criteria: Invitae Variant Classification Sherloc (09022015). Collection method: clinical testing. Allele origin: germline.

PreventionGenetics, part of Exact Sciences
Classification: Likely benign for CHD7-related condition. Last evaluated: 2022-05-10. Review status: no assertion criteria provided. Collection method: clinical testing. Allele origin: germline. Not counted in ClinVar's aggregate classification.
Comment: This variant is classified as likely benign based on ACMG/AMP sequence variant interpretation guidelines (Richards et al. 2015 PMID: 25741868, with internal and published modifications).